The following is an entry in ClinVar:

ClinVar aggregate classification (germline): Benign/Likely benign. Review status: criteria provided, multiple submitters, no conflicts (2 of 4 stars). 3 submissions from 3 submitters: Benign (1); Likely benign (2). Last evaluated 2025-12-21.

Allele frequency attached by ClinVar (database versions not stated): gnomAD exomes 0.00121 and 0.00045; ExAC 0.00154; TOPMed 0.00550; 1000 Genomes Project 30x 0.00578; gnomAD 0.00474 and 0.00503; ESP Exome Variant Server 0.00577; 1000 Genomes Project 0.00539.
gnomAD v4.1: 1,424 of 1,614,102 alleles (0.088%); highest among the groups gnomAD compares: African/African-American, 1.6%; 7 homozygotes.

Submissions (3):

Labcorp Genetics (formerly Invitae), Labcorp
Classification: Benign. Last evaluated: 2025-12-21. Review status: criteria provided, single submitter. Criteria: Invitae Variant Classification Sherloc (09022015). Collection method: clinical testing. Allele origin: germline.

Center for Pediatric Genomic Medicine, Children's Mercy Hospital and Clinics
Classification: Likely benign. Last evaluated: 2016-06-14. Review status: criteria provided, single submitter. Criteria: ACMG Guidelines, 2015. Collection method: clinical testing. Allele origin: germline.
ClinVar note: Converted during submission from Likely Benign to Likely benign.

Breakthrough Genomics
Classification: Likely benign. Review status: criteria provided, single submitter. Criteria: ACMG Guidelines, 2015. Collection method: not provided. Allele origin: germline. Inheritance: Autosomal recessive inheritance. Affected: yes.

NM_016553.5(NUP62):c.560C>T (p.Thr187Met)

Genes: IL4I1 (interleukin 4 induced 1; minus strand), NUP62 (nucleoporin 62; minus strand). Cytogenetic location: 19q13.33.
Variant type: single nucleotide variant.
Coding change: c.560C>T on transcript NM_016553.5 (MANE Select); coding-DNA position 560, C replaced by T.
Protein change: p.Thr187Met; replaces threonine 187 with methionine.
Molecular consequence: missense variant. On other transcripts: intron variant (3).
Genome position (GRCh38, 1-based): chr19:49,909,248, G>A on the plus strand (C>T on the coding strand, the complement: NUP62 is on the minus strand). VCF-style: chr19-49909248-G-A. GRCh37 (hg19) VCF-style: chr19-50412505-G-A.
Other names: c.560C>T, p.Thr187Met (NM_001193357.2, NM_012346.5, NM_153718.4 and 1 more transcripts); c.-227-4927C>T (NM_001258017.2, NM_172374.3); c.-285-4927C>T (NM_001258018.2); short protein forms T187M.
Identifiers: ClinVar variation 377226 (VCV000377226.15), dbSNP rs140655913, ClinGen allele CA9589112.